The following is an entry in ClinVar:

ClinVar aggregate classification (germline): Likely pathogenic (1 of 4 stars; one submission).

Conditions:
Autosomal recessive nonsyndromic hearing loss 28. Identifiers: Orphanet 90636, MedGen C1853276, MONDO:0012355, OMIM 609823.

gnomAD v4.1: 4 of 1,609,214 alleles (0.00025%); highest among the groups gnomAD compares: African/African-American, 0.0053%; no homozygotes.

Submission:

Juno Genomics, Hangzhou Juno Genomics, Inc
Classification: Likely pathogenic for Autosomal recessive nonsyndromic hearing loss 28. Review status: criteria provided, single submitter. Criteria: ACMG Guidelines, 2015. Collection method: clinical testing. Allele origin: germline.
Comment: Null variant in a gene where loss of function (LOF) is a known mechanism of disease.;Absent from controls (or at extremely low frequency if recessive) in Genome Aggregation Database.

NM_001039141.3(TRIOBP):c.4939C>T (p.Gln1647Ter)

Gene: TRIOBP (TRIO and F-actin binding protein; plus strand). Cytogenetic location: 22q13.1.
Variant type: single nucleotide variant.
Coding change: c.4939C>T on transcript NM_001039141.3 (MANE Select); coding-DNA position 4939, C replaced by T.
Protein change: p.Gln1647Ter; replaces glutamine 1647 with a stop codon.
Molecular consequence: nonsense.
Genome position (GRCh38, 1-based): chr22:37,735,275, C>T. VCF-style: chr22-37735275-C-T. GRCh37 (hg19) VCF-style: chr22-38131282-C-T.
Other names: short protein forms Q1647*.
Identifiers: ClinVar variation 5006491 (VCV005006491.2).